The following is an entry in ClinVar:

ClinVar aggregate classification (germline): Benign. Review status: criteria provided, multiple submitters, no conflicts (2 of 4 stars). 3 submissions from 3 submitters: Benign (2). 1 of the submissions does not count toward it. Last evaluated 2025-12-30.

Conditions:
ESR2-related disorder. Also called: ESR2-related condition.

Allele frequency attached by ClinVar (database versions not stated): ESP Exome Variant Server 0.00892; TOPMed 0.00785; 1000 Genomes Project 0.01058; gnomAD 0.00691; 1000 Genomes Project 30x 0.01156.
gnomAD v4.1: 2,147 of 1,612,264 alleles (0.13%); highest among the groups gnomAD compares: African/African-American, 2.6%; 34 homozygotes.

Submissions (3):

Labcorp Genetics (formerly Invitae), Labcorp
Classification: Benign. Last evaluated: 2025-12-30. Review status: criteria provided, single submitter. Criteria: Invitae Variant Classification Sherloc (09022015). Collection method: clinical testing. Allele origin: germline.

Breakthrough Genomics
Classification: Benign. Review status: criteria provided, single submitter. Criteria: ACMG Guidelines, 2015. Collection method: not provided. Allele origin: germline. Inheritance: Autosomal dominant inheritance. Affected: yes.

PreventionGenetics, part of Exact Sciences
Classification: Benign for ESR2-related condition. Last evaluated: 2019-04-05. Review status: no assertion criteria provided. Collection method: clinical testing. Allele origin: germline. Not counted in ClinVar's aggregate classification.
Comment: This variant is classified as benign based on ACMG/AMP sequence variant interpretation guidelines (Richards et al. 2015 PMID: 25741868, with internal and published modifications).

NM_001437.3(ESR2):c.630C>T (p.Tyr210=)

Gene: ESR2 (estrogen receptor 2; minus strand). Cytogenetic location: 14q23.2.
Variant type: single nucleotide variant.
Coding change: c.630C>T on transcript NM_001437.3 (MANE Select); coding-DNA position 630, C replaced by T.
Protein change: p.Tyr210=; no amino-acid change (tyrosine 210 retained).
Molecular consequence: synonymous variant. On other transcripts: non-coding transcript variant (2).
Genome position (GRCh38, 1-based): chr14:64,268,817, G>A on the plus strand (C>T on the coding strand, the complement: ESR2 is on the minus strand). VCF-style: chr14-64268817-G-A. GRCh37 (hg19) VCF-style: chr14-64735535-G-A.
Other names: c.630C>T, p.Tyr210= (NM_001040275.1, NM_001214902.1, NM_001271876.1 and 3 more transcripts).
Identifiers: ClinVar variation 717002 (VCV000717002.12), dbSNP rs2228481, ClinGen allele CA7225526.
Genomic context (GRCh38, chr14:64,268,817, plus strand): 5'-AAGGCCCATATTCAATAAGAAGGGAAGCAAGCACTCACCACACTTCACCATTCCCACTTC[G>A]TAACACTTCCGAAGTCGGCAGGCCTGGCAGCTCTTGCGCCGGTTTTTATCGATTGTACAC-3'
Protein context (NP_001428.1, residues 200-220): SCQACRLRKC[Tyr210=]EVGMVKCGSR